The following is an entry in ClinVar:

NM_005477.3(HCN4):c.2534G>C (p.Ser845Thr)

Gene: HCN4 (hyperpolarization activated cyclic nucleotide gated potassium channel 4; minus strand). Cytogenetic location: 15q24.1.
Variant type: single nucleotide variant.
Coding change: c.2534G>C on transcript NM_005477.3 (MANE Select); coding-DNA position 2534, G replaced by C.
Protein change: p.Ser845Thr; replaces serine 845 with threonine.
Molecular consequence: missense variant.
Genome position (GRCh38, 1-based): chr15:73,323,559, C>G on the plus strand (G>C on the coding strand, the complement: HCN4 is on the minus strand). VCF-style: chr15-73323559-C-G. GRCh37 (hg19) VCF-style: chr15-73615900-C-G.
Other names: short protein forms S845T.
Identifiers: ClinVar variation 1026190 (VCV001026190.8), dbSNP rs2042878358, ClinGen allele CA393088710.

ClinVar aggregate classification (germline): Uncertain significance (1 of 4 stars; one submission).

Conditions:
Brugada syndrome 8 (BRGDA8). Identifiers: Orphanet 130, MedGen C2751083, MONDO:0013148, OMIM 613123.

Submission:

Labcorp Genetics (formerly Invitae), Labcorp
Classification: Uncertain significance for Brugada syndrome 8. Last evaluated: 2022-07-19. Review status: criteria provided, single submitter. Criteria: Invitae Variant Classification Sherloc (09022015). Collection method: clinical testing. Allele origin: germline.
Comment: In summary, the available evidence is currently insufficient to determine the role of this variant in disease. Therefore, it has been classified as a Variant of Uncertain Significance. Advanced modeling of protein sequence and biophysical properties (such as structural, functional, and spatial information, amino acid conservation, physicochemical variation, residue mobility, and thermodynamic stability) performed at Invitae indicates that this missense variant is not expected to disrupt HCN4 protein function. ClinVar contains an entry for this variant (Variation ID: 1026190). This variant has not been reported in the literature in individuals affected with HCN4-related conditions. This variant is not present in population databases (gnomAD no frequency). This sequence change replaces serine, which is neutral and polar, with threonine, which is neutral and polar, at codon 845 of the HCN4 protein (p.Ser845Thr).